The following is an entry in ClinVar:

NM_177559.3(CSNK2A1):c.575T>C (p.Val192Ala)

Gene: CSNK2A1 (casein kinase 2 alpha 1; minus strand). Cytogenetic location: 20p13.
Variant type: single nucleotide variant.
Coding change: c.575T>C on transcript NM_177559.3 (MANE Select); coding-DNA position 575, T replaced by C.
Protein change: p.Val192Ala; replaces valine 192 with alanine.
Molecular consequence: missense variant.
Genome position (GRCh38, 1-based): chr20:492,300, A>G on the plus strand (T>C on the coding strand, the complement: CSNK2A1 is on the minus strand). VCF-style: chr20-492300-A-G. GRCh37 (hg19) VCF-style: chr20-472944-A-G.
Other names: c.575T>C, p.Val192Ala (NM_001362770.2, NM_001362771.2, NM_001895.4); c.167T>C, p.Val56Ala (NM_177560.3); short protein forms V192A, V56A.
Identifiers: ClinVar variation 5020045 (VCV005020045.1).
Genomic context (GRCh38, chr20:492,300, plus strand): 5'-CCTTCTGTTCTTACCTGATAGTCTACAAGTAGCTCAGGACCTTTGAAGTATCGGGAAGCA[A>G]CTCGGACATTATATTCTTGGCCAGGATGATAAAACTCAGCCAAACCCCAGTCTATTAGTC-3'
Protein context (NP_808227.1, residues 182-202): YHPGQEYNVR[Val192Ala]ASRYFKGPEL

ClinVar aggregate classification (germline): Uncertain significance (1 of 4 stars; one submission).

Conditions:
Okur-Chung neurodevelopmental syndrome (OCNDS). Identifiers: Orphanet 689422, MedGen C4310739, MONDO:0014893, OMIM 617062.

Submission:

Juno Genomics, Hangzhou Juno Genomics, Inc
Classification: Uncertain significance for Okur-Chung neurodevelopmental syndrome. Review status: criteria provided, single submitter. Criteria: ACMG Guidelines, 2015. Collection method: clinical testing. Allele origin: germline. Affected: yes.
Comment: Absent from controls (or at extremely low frequency if recessive) in Genome Aggregation Database.;De novo (both maternity and paternity confirmed) in a patient with the disease and no family history.;Missense variant in a gene that has a low rate of benign missense variation.